The following is an entry in ClinVar:

ClinVar aggregate classification (germline): Uncertain significance (1 of 4 stars; one submission).

gnomAD v4.1: 1 of 1,614,062 alleles (0.000062%); highest among the groups gnomAD compares: African/African-American, 0.0013%; no homozygotes.

Submission:

Ambry Genetics
Classification: Uncertain significance. Last evaluated: 2024-11-08. Review status: criteria provided, single submitter. Criteria: Ambry Variant Classification Scheme 2023. Collection method: clinical testing. Allele origin: germline.
Comment: The p.G476S variant (also known as c.1426G>A), located in coding exon 13 of the RAD54L gene, results from a G to A substitution at nucleotide position 1426. The glycine at codon 476 is replaced by serine, an amino acid with similar properties. This amino acid position is conserved. In addition, the in silico prediction for this alteration is inconclusive. Based on the available evidence, the clinical significance of this variant remains unclear.

NM_003579.4(RAD54L):c.1426G>A (p.Gly476Ser)

Gene: RAD54L (RAD54 like; plus strand). Cytogenetic location: 1p34.1.
Variant type: single nucleotide variant.
Coding change: c.1426G>A on transcript NM_003579.4 (MANE Select); coding-DNA position 1426, G replaced by A.
Protein change: p.Gly476Ser; replaces glycine 476 with serine.
Molecular consequence: missense variant.
Genome position (GRCh38, 1-based): chr1:46,273,405, G>A. VCF-style: chr1-46273405-G-A. GRCh37 (hg19) VCF-style: chr1-46739077-G-A.
Other names: c.1426G>A, p.Gly476Ser (NM_001142548.2); c.886G>A, p.Gly296Ser (NM_001370766.1); short protein forms G296S, G476S.
Identifiers: ClinVar variation 3429831 (VCV003429831.1).